The following is an entry in ClinVar:

ClinVar aggregate classification (germline): Uncertain significance. Review status: criteria provided, multiple submitters, no conflicts (2 of 4 stars). 3 submissions from 3 submitters: Uncertain significance (3). Last evaluated 2025-12-16.

Conditions:
Inborn genetic diseases. Identifiers: MedGen C0950123, MeSH D030342.
Charcot-Marie-Tooth disease axonal type 2C (HMSN2C). Also called: Charcot-Marie-Tooth Disease Type 2, TRPV4-Related (CMT2C); CHARCOT-MARIE-TOOTH DISEASE, AXONAL, AUTOSOMAL DOMINANT, TYPE 2C; Charcot-Marie-Tooth Neuropathy Type 2C. Identifiers: Orphanet 99937, MedGen C1853710, MONDO:0011633, OMIM 606071.

Allele frequency attached by ClinVar (database versions not stated): TOPMed 0.00003; gnomAD 0.00001; ExAC 0.00002; ESP Exome Variant Server 0.00008; gnomAD exomes 0.00002.
gnomAD v4.1: 26 of 1,613,536 alleles (0.0016%); highest among the groups gnomAD compares: East Asian, 0.0067%; no homozygotes.

Submissions (3):

Ambry Genetics
Classification: Uncertain significance for Inborn genetic diseases. Last evaluated: 2025-12-16. Review status: criteria provided, single submitter. Criteria: Ambry Variant Classification Scheme 2023. Collection method: clinical testing. Allele origin: germline.

Labcorp Genetics (formerly Invitae), Labcorp
Classification: Uncertain significance for Charcot-Marie-Tooth disease axonal type 2C. Last evaluated: 2025-05-21. Review status: criteria provided, single submitter. Criteria: Invitae Variant Classification Sherloc (09022015). Collection method: clinical testing. Allele origin: germline.
Comment: This sequence change replaces threonine, which is neutral and polar, with methionine, which is neutral and non-polar, at codon 395 of the TRPV4 protein (p.Thr395Met). This variant is present in population databases (rs374197231, gnomAD 0.01%). This variant has not been reported in the literature in individuals affected with TRPV4-related conditions. ClinVar contains an entry for this variant (Variation ID: 246192). Invitae Evidence Modeling of protein sequence and biophysical properties (such as structural, functional, and spatial information, amino acid conservation, physicochemical variation, residue mobility, and thermodynamic stability) indicates that this missense variant is not expected to disrupt TRPV4 protein function with a negative predictive value of 95%. In summary, the available evidence is currently insufficient to determine the role of this variant in disease. Therefore, it has been classified as a Variant of Uncertain Significance.

GeneDx
Classification: Uncertain significance. Last evaluated: 2015-12-15. Review status: criteria provided, single submitter. Criteria: GeneDx Variant Classification (06012015). Collection method: clinical testing. Allele origin: germline. Affected: yes.
Comment: The T395M variant has not been published as a pathogenic variant, nor has it been reported as a benign variant to our knowledge. It was not observed with any significant frequency in approximately 6,500 individuals of European and African American ancestry in the NHLBI Exome Sequencing Project. The T395M variant is a non-conservative amino acid substitution, which is likely to impact secondary protein structure as these residues differ in polarity, charge, size and/or other properties. This substitution occurs at a position that is conserved in mammals. However, in silico analysis is inconsistent in its predictions as to whether or not the variant is damaging to the protein structure/function. Therefore, based on the currently available information, it is unclear whether this variant is a pathogenic variant or a rare benign variant.

NM_021625.5(TRPV4):c.1184C>T (p.Thr395Met)

Gene: TRPV4 (transient receptor potential cation channel subfamily V member 4; minus strand). Cytogenetic location: 12q24.11.
Variant type: single nucleotide variant.
Coding change: c.1184C>T on transcript NM_021625.5 (MANE Select); coding-DNA position 1184, C replaced by T.
Protein change: p.Thr395Met; replaces threonine 395 with methionine.
Molecular consequence: missense variant. On other transcripts: intron variant (2).
Genome position (GRCh38, 1-based): chr12:109,796,673, G>A on the plus strand (C>T on the coding strand, the complement: TRPV4 is on the minus strand). VCF-style: chr12-109796673-G-A. GRCh37 (hg19) VCF-style: chr12-110234478-G-A.
Other names: c.1043C>T, p.Thr348Met (NM_001177428.2); c.1082C>T, p.Thr361Met (NM_001177431.2); c.1011+1941C>T (NM_001177433.1); c.1152+1941C>T (NM_147204.2); short protein forms T395M, T348M, T361M.
Identifiers: ClinVar variation 246192 (VCV000246192.8), dbSNP rs374197231, ClinGen allele CA6780310.